The following is an entry in ClinVar:

NM_001378454.1(ALMS1):c.1556A>G (p.Gln519Arg)

Gene: ALMS1 (ALMS1 centrosome and basal body associated protein; plus strand). Cytogenetic location: 2p13.1.
Variant type: single nucleotide variant.
Coding change: c.1556A>G on transcript NM_001378454.1 (MANE Select); coding-DNA position 1556, A replaced by G.
Protein change: p.Gln519Arg; replaces glutamine 519 with arginine.
Molecular consequence: missense variant.
Genome position (GRCh38, 1-based): chr2:73,448,083, A>G. VCF-style: chr2-73448083-A-G. GRCh37 (hg19) VCF-style: chr2-73675213-A-G.
Other names: c.1559A>G, p.Gln520Arg (NM_015120.4); short protein forms Q520R, Q519R.
Identifiers: ClinVar variation 1466580 (VCV001466580.6), dbSNP rs2103771395, ClinGen allele CA347264759.

ClinVar aggregate classification (germline): Uncertain significance (1 of 4 stars; one submission).

Conditions:
Alstrom syndrome (ALMS). Identifiers: Orphanet 64, MedGen C0268425, MONDO:0008763, OMIM 203800.

Submission:

Labcorp Genetics (formerly Invitae), Labcorp
Classification: Uncertain significance for Alstrom syndrome. Last evaluated: 2022-06-28. Review status: criteria provided, single submitter. Criteria: Invitae Variant Classification Sherloc (09022015). Collection method: clinical testing. Allele origin: germline.
Comment: In summary, the available evidence is currently insufficient to determine the role of this variant in disease. Therefore, it has been classified as a Variant of Uncertain Significance. Experimental studies and prediction algorithms are not available or were not evaluated, and the functional significance of this variant is currently unknown. This variant has not been reported in the literature in individuals affected with ALMS1-related conditions. This variant is not present in population databases (gnomAD no frequency). This sequence change replaces glutamine, which is neutral and polar, with arginine, which is basic and polar, at codon 520 of the ALMS1 protein (p.Gln520Arg).